The following is an entry in ClinVar:

NM_022081.6(HPS4):c.1528T>A (p.Ser510Thr)

Gene: HPS4 (HPS4 biogenesis of lysosomal organelles complex 3 subunit 2; minus strand). Cytogenetic location: 22q12.1.
Variant type: single nucleotide variant.
Coding change: c.1528T>A on transcript NM_022081.6 (MANE Select); coding-DNA position 1528, T replaced by A.
Protein change: p.Ser510Thr; replaces serine 510 with threonine.
Molecular consequence: missense variant. On other transcripts: non-coding transcript variant (8).
Genome position (GRCh38, 1-based): chr22:26,464,102, A>T on the plus strand (T>A on the coding strand, the complement: HPS4 is on the minus strand). VCF-style: chr22-26464102-A-T. GRCh37 (hg19) VCF-style: chr22-26860068-A-T.
Other names: c.1528T>A, p.Ser510Thr (NM_001349903.2, NM_001349904.2, NM_001349905.1 and 4 more transcripts); c.1513T>A, p.Ser505Thr (NM_152841.2); c.1582T>A, p.Ser528Thr (NM_001349900.2, NM_001349901.1); short protein forms S505T, S528T, S510T.
Identifiers: ClinVar variation 1371347 (VCV001371347.6), dbSNP rs1231815590, ClinGen allele CA411026514.
Genomic context (GRCh38, chr22:26,464,102, plus strand): 5'-TCAGCCTGGAGCTGATTCCATCTGCAGAGGGGCCAGCACCCTGACAGTTTGCTGAGCCTG[A>T]ACTGCATTCCAGACCAGGGGCTGCGTGGCTTTCACAGACCCCATCAACATCCTCATCCAG-3'
Protein context (NP_071364.4, residues 500-520): SHAAPGLECS[Ser510Thr]GSANCQGAGP

ClinVar aggregate classification (germline): Uncertain significance (1 of 4 stars; one submission).

Allele frequency attached by ClinVar (database versions not stated): gnomAD exomes below 0.00001; gnomAD 0.00001.
gnomAD v4.1: 2 of 1,614,134 alleles (0.00012%); highest among the groups gnomAD compares: African/African-American, 0.0027%; no homozygotes.

Submission:

Labcorp Genetics (formerly Invitae), Labcorp
Classification: Uncertain significance. Last evaluated: 2024-12-16. Review status: criteria provided, single submitter. Criteria: Invitae Variant Classification Sherloc (09022015). Collection method: clinical testing. Allele origin: germline.
Comment: This sequence change replaces serine, which is neutral and polar, with threonine, which is neutral and polar, at codon 510 of the HPS4 protein (p.Ser510Thr). This variant is present in population databases (no rsID available, gnomAD 0.01%). This variant has not been reported in the literature in individuals affected with HPS4-related conditions. ClinVar contains an entry for this variant (Variation ID: 1371347). An algorithm developed to predict the effect of missense changes on protein structure and function (PolyPhen-2) suggests that this variant is likely to be tolerated. In summary, the available evidence is currently insufficient to determine the role of this variant in disease. Therefore, it has been classified as a Variant of Uncertain Significance.